The following is an entry in ClinVar:

ClinVar aggregate classification (germline): Conflicting classifications of pathogenicity. Review status: criteria provided, conflicting classifications (1 of 4 stars). 2 submissions from 2 submitters: Uncertain significance (1); Likely benign (1). Last evaluated 2025-10-14.

Conditions:
Dilated cardiomyopathy 1KK (CMD1KK). Identifiers: Orphanet 154, Orphanet 75249, MedGen C3714995, MONDO:0014100, OMIM 615248.
Cardiovascular phenotype. Identifiers: MedGen CN230736.

Allele frequency attached by ClinVar (database versions not stated): TOPMed 0.00002; 1000 Genomes Project 0.00020; 1000 Genomes Project 30x 0.00031.
gnomAD v4.1: 142 of 1,614,120 alleles (0.0088%); highest among the groups gnomAD compares: South Asian, 0.11%; 1 homozygote.

Submissions (2):

Ambry Genetics
Classification: Likely benign for Cardiovascular phenotype. Last evaluated: 2025-10-14. Review status: criteria provided, single submitter. Criteria: Ambry Variant Classification Scheme 2023. Collection method: clinical testing. Allele origin: germline.

Labcorp Genetics (formerly Invitae), Labcorp
Classification: Uncertain significance for Dilated cardiomyopathy 1KK. Last evaluated: 2023-12-06. Review status: criteria provided, single submitter. Criteria: Invitae Variant Classification Sherloc (09022015). Collection method: clinical testing. Allele origin: germline.
Comment: This sequence change replaces proline, which is neutral and non-polar, with leucine, which is neutral and non-polar, at codon 728 of the MYPN protein (p.Pro728Leu). This variant is present in population databases (rs570682390, gnomAD 0.1%). This variant has not been reported in the literature in individuals affected with MYPN-related conditions. ClinVar contains an entry for this variant (Variation ID: 518847). An algorithm developed to predict the effect of missense changes on protein structure and function (PolyPhen-2) suggests that this variant¬†is likely to be tolerated. In summary, the available evidence is currently insufficient to determine the role of this variant in disease. Therefore, it has been classified as a Variant of Uncertain Significance.

NM_032578.4(MYPN):c.2183C>T (p.Pro728Leu)

Gene: MYPN (myopalladin; plus strand). Cytogenetic location: 10q21.3.
Variant type: single nucleotide variant.
Coding change: c.2183C>T on transcript NM_032578.4 (MANE Select); coding-DNA position 2183, C replaced by T.
Protein change: p.Pro728Leu; replaces proline 728 with leucine.
Molecular consequence: missense variant. On other transcripts: non-coding transcript variant (2).
Genome position (GRCh38, 1-based): chr10:68,174,275, C>T. VCF-style: chr10-68174275-C-T. GRCh37 (hg19) VCF-style: chr10-69934032-C-T.
Other names: c.2183C>T, p.Pro728Leu (NM_001256267.2); c.1301C>T, p.Pro434Leu (NM_001256268.2); short protein forms P728L, P434L.
Identifiers: ClinVar variation 518847 (VCV000518847.14), dbSNP rs570682390, ClinGen allele CA5522748.